The following is an entry in ClinVar:

ClinVar aggregate classification (germline): Benign. Review status: criteria provided, multiple submitters, no conflicts (2 of 4 stars). 2 submissions from 2 submitters: Benign (2). Last evaluated 2018-06-19.

Allele frequency attached by ClinVar (database versions not stated): gnomAD exomes 0.00804; 1000 Genomes Project 0.02887; gnomAD 0.02919 and 0.03115; 1000 Genomes Project 30x 0.03018; TOPMed 0.03471.
gnomAD v4.1: 12,120 of 1,202,311 alleles (1%); highest among the groups gnomAD compares: African/African-American, 9.1%; 179 homozygotes.

Submissions (6):

GeneDx
Classification: Benign. Last evaluated: 2018-06-19. Review status: criteria provided, single submitter. Criteria: GeneDx Variant Classification (06012015). Collection method: clinical testing. Allele origin: germline. Affected: yes.
Comment: This variant is considered likely benign or benign based on one or more of the following criteria: it is a conservative change, it occurs at a poorly conserved position in the protein, it is predicted to be benign by multiple in silico algorithms, and/or has population frequency not consistent with disease.

Breakthrough Genomics
Classification: Benign. Review status: criteria provided, single submitter. Criteria: ACMG Guidelines, 2015. Collection method: not provided. Allele origin: germline. Inheritance: X-linked inheritance. Affected: yes.

Dr. Peter K. Rogan Lab, Western University
No classification provided (evidence only). Condition: Familial cancer of breast. Review status: no classification provided. Collection method: in vitro. Allele origin: not applicable. Functional consequence: retained intron. Not counted in ClinVar's aggregate classification.

Dr. Peter K. Rogan Lab, Western University
No classification provided (evidence only). Condition: Uterine corpus endometrial carcinoma. Review status: no classification provided. Collection method: in vitro. Allele origin: not applicable. Functional consequence: retained intron. Not counted in ClinVar's aggregate classification.

Dr. Peter K. Rogan Lab, Western University
No classification provided (evidence only). Condition: Sarcoma. Review status: no classification provided. Collection method: in vitro. Allele origin: not applicable. Functional consequence: retained intron. Not counted in ClinVar's aggregate classification.

Dr. Peter K. Rogan Lab, Western University
No classification provided (evidence only). Condition: Ovarian serous cystadenocarcinoma. Review status: no classification provided. Collection method: in vitro. Allele origin: not applicable. Functional consequence: retained intron. Not counted in ClinVar's aggregate classification.

NM_000216.4(ANOS1):c.541+66A>T

Gene: ANOS1 (anosmin 1; minus strand). Cytogenetic location: Xp22.31.
Variant type: single nucleotide variant.
Coding change: c.541+66A>T on transcript NM_000216.4 (MANE Select); 66 bases into the intron after coding-DNA position 541, A replaced by T.
Molecular consequence: intron variant.
Genome position (GRCh38, 1-based): chrX:8,596,968, T>A on the plus strand (A>T on the coding strand, the complement: ANOS1 is on the minus strand). VCF-style: chrX-8596968-T-A. GRCh37 (hg19) VCF-style: chrX-8565009-T-A.
Other names: NC_000023.10:g.8565009T>A.
Identifiers: ClinVar variation 676898 (VCV000676898.3), dbSNP rs112841750, ClinGen allele CA326488776.